The following is an entry in ClinVar:

ClinVar aggregate classification (germline): Uncertain significance (1 of 4 stars; one submission).

Submission:

Labcorp Genetics (formerly Invitae), Labcorp
Classification: Uncertain significance. Last evaluated: 2021-11-11. Review status: criteria provided, single submitter. Criteria: Invitae Variant Classification Sherloc (09022015). Collection method: clinical testing. Allele origin: germline.
Comment: In summary, the available evidence is currently insufficient to determine the role of this variant in disease. Therefore, it has been classified as a Variant of Uncertain Significance. Advanced modeling of protein sequence and biophysical properties (such as structural, functional, and spatial information, amino acid conservation, physicochemical variation, residue mobility, and thermodynamic stability) performed at Invitae indicates that this missense variant is not expected to disrupt COL11A1 protein function. This variant has not been reported in the literature in individuals affected with COL11A1-related conditions. This variant is not present in population databases (gnomAD no frequency). This sequence change replaces proline, which is neutral and non-polar, with threonine, which is neutral and polar, at codon 932 of the COL11A1 protein (p.Pro932Thr).

NM_001854.4(COL11A1):c.2794C>A (p.Pro932Thr)

Gene: COL11A1 (collagen type XI alpha 1 chain; minus strand). Cytogenetic location: 1p21.1.
Variant type: single nucleotide variant.
Coding change: c.2794C>A on transcript NM_001854.4 (MANE Select); coding-DNA position 2794, C replaced by A.
Protein change: p.Pro932Thr; replaces proline 932 with threonine.
Molecular consequence: missense variant. On other transcripts: non-coding transcript variant (1).
Genome position (GRCh38, 1-based): chr1:102,974,844, G>T on the plus strand (C>A on the coding strand, the complement: COL11A1 is on the minus strand). VCF-style: chr1-102974844-G-T. GRCh37 (hg19) VCF-style: chr1-103440400-G-T.
Other names: c.2677C>A, p.Pro893Thr (NM_001190709.2); c.2830C>A, p.Pro944Thr (NM_080629.3); c.2446C>A, p.Pro816Thr (NM_080630.4); short protein forms P944T, P816T, P932T, P893T.
Identifiers: ClinVar variation 1387202 (VCV001387202.6), dbSNP rs2101653110, ClinGen allele CA341161986.